The following is an entry in ClinVar:

NM_020937.4(FANCM):c.2358A>C (p.Gln786His)

Gene: FANCM (FA complementation group M; plus strand). Cytogenetic location: 14q21.2.
Variant type: single nucleotide variant.
Coding change: c.2358A>C on transcript NM_020937.4 (MANE Select); coding-DNA position 2358, A replaced by C.
Protein change: p.Gln786His; replaces glutamine 786 with histidine.
Molecular consequence: missense variant.
Genome position (GRCh38, 1-based): chr14:45,175,112, A>C. VCF-style: chr14-45175112-A-C. GRCh37 (hg19) VCF-style: chr14-45644315-A-C.
Other names: c.2358A>C (NM_020937.2); c.2280A>C, p.Gln760His (NM_001308133.2); short protein forms Q760H, Q786H.
Identifiers: ClinVar variation 1043761 (VCV001043761.9), dbSNP rs367741599, ClinGen allele CA259627626.

ClinVar aggregate classification (germline): Uncertain significance. Review status: criteria provided, multiple submitters, no conflicts (2 of 4 stars). 2 submissions from 2 submitters: Uncertain significance (2). Last evaluated 2025-02-21.

Conditions:
Inborn genetic diseases. Identifiers: MedGen C0950123, MeSH D030342.
Fanconi anemia (FA). Also called: Fanconi's anemia. Identifiers: Orphanet 84, MedGen C0015625, MeSH D005199, MONDO:0019391.

Allele frequency attached by ClinVar (database versions not stated): gnomAD exomes below 0.00001; TOPMed 0.00002; gnomAD 0.00003; ESP Exome Variant Server 0.00008.
gnomAD v4.1: 7 of 1,612,128 alleles (0.00043%); highest among the groups gnomAD compares: African/African-American, 0.008%; no homozygotes.

Submissions (2):

Ambry Genetics
Classification: Uncertain significance for Inborn genetic diseases. Last evaluated: 2025-02-21. Review status: criteria provided, single submitter. Criteria: Ambry Variant Classification Scheme 2023. Collection method: clinical testing. Allele origin: germline.
Comment: The p.Q786H variant (also known as c.2358A>C), located in coding exon 14 of the FANCM gene, results from an A to C substitution at nucleotide position 2358. The glutamine at codon 786 is replaced by histidine, an amino acid with highly similar properties. This amino acid position is conserved. In addition, this alteration is predicted to be tolerated by in silico analysis. Based on the available evidence, the clinical significance of this variant remains unclear.

Labcorp Genetics (formerly Invitae), Labcorp
Classification: Uncertain significance for Fanconi anemia. Last evaluated: 2023-02-07. Review status: criteria provided, single submitter. Criteria: Invitae Variant Classification Sherloc (09022015). Collection method: clinical testing. Allele origin: germline.
Comment: In summary, the available evidence is currently insufficient to determine the role of this variant in disease. Therefore, it has been classified as a Variant of Uncertain Significance. Algorithms developed to predict the effect of missense changes on protein structure and function output the following: SIFT: "Tolerated"; PolyPhen-2: "Benign"; Align-GVGD: "Class C0". The histidine amino acid residue is found in multiple mammalian species, which suggests that this missense change does not adversely affect protein function. ClinVar contains an entry for this variant (Variation ID: 1043761). This variant has not been reported in the literature in individuals affected with FANCM-related conditions. This variant is not present in population databases (gnomAD no frequency). This sequence change replaces glutamine, which is neutral and polar, with histidine, which is basic and polar, at codon 786 of the FANCM protein (p.Gln786His).